The following is an entry in ClinVar:

ClinVar aggregate classification (germline): Uncertain significance (1 of 4 stars; one submission).

Conditions:
Vici syndrome (VICIS). Identifiers: Orphanet 1493, MedGen C1855772, MONDO:0009452, OMIM 242840.

Allele frequency attached by ClinVar (database versions not stated): gnomAD exomes below 0.00001; gnomAD 0.00003 and 0.00004; TOPMed 0.00003.
gnomAD v4.1: 10 of 1,614,056 alleles (0.00062%); highest among the groups gnomAD compares: African/African-American, 0.013%; no homozygotes.

Submission:

Labcorp Genetics (formerly Invitae), Labcorp
Classification: Uncertain significance for Vici syndrome. Last evaluated: 2020-08-07. Review status: criteria provided, single submitter. Criteria: Invitae Variant Classification Sherloc (09022015). Collection method: clinical testing. Allele origin: germline.
Comment: This variant has not been reported in the literature in individuals with EPG5-related disease. This variant is not present in population databases (ExAC no frequency). This sequence change replaces threonine with alanine at codon 1929 of the EPG5 protein (p.Thr1929Ala). The threonine residue is moderately conserved and there is a small physicochemical difference between threonine and alanine. Algorithms developed to predict the effect of missense changes on protein structure and function (SIFT, PolyPhen-2, Align-GVGD) all suggest that this variant is likely to be tolerated, but these predictions have not been confirmed by published functional studies and their clinical significance is uncertain. In summary, the available evidence is currently insufficient to determine the role of this variant in disease. Therefore, it has been classified as a Variant of Uncertain Significance.

NM_020964.3(EPG5):c.5785A>G (p.Thr1929Ala)

Gene: EPG5 (ectopic P-granules 5 autophagy tethering factor; minus strand). Cytogenetic location: 18q12.3.
Variant type: single nucleotide variant.
Coding change: c.5785A>G on transcript NM_020964.3 (MANE Select); coding-DNA position 5785, A replaced by G.
Protein change: p.Thr1929Ala; replaces threonine 1929 with alanine.
Molecular consequence: missense variant.
Genome position (GRCh38, 1-based): chr18:45,879,097, T>C on the plus strand (A>G on the coding strand, the complement: EPG5 is on the minus strand). VCF-style: chr18-45879097-T-C. GRCh37 (hg19) VCF-style: chr18-43459062-T-C.
Other names: short protein forms T1929A.
Identifiers: ClinVar variation 1011864 (VCV001011864.7), dbSNP rs968834469, ClinGen allele CA299710906.